The following is an entry in ClinVar:

NM_001035.3(RYR2):c.3417C>T (p.Gly1139=)

Gene: RYR2 (ryanodine receptor 2; plus strand). Cytogenetic location: 1q43.
Variant type: single nucleotide variant.
Coding change: c.3417C>T on transcript NM_001035.3 (MANE Select); coding-DNA position 3417, C replaced by T.
Protein change: p.Gly1139=; no amino-acid change (glycine 1139 retained).
Molecular consequence: synonymous variant.
Genome position (GRCh38, 1-based): chr1:237,566,769, C>T. VCF-style: chr1-237566769-C-T. GRCh37 (hg19) VCF-style: chr1-237730069-C-T.
Other names: c.3417C>T (NM_001035.2).
Identifiers: ClinVar variation 926581 (VCV000926581.15), dbSNP rs1368724013, ClinGen allele CA423819230.

ClinVar aggregate classification (germline): Likely benign. Review status: criteria provided, multiple submitters, no conflicts (2 of 4 stars). 4 submissions from 4 submitters: Likely benign (4). Last evaluated 2025-07-22.

Conditions:
Catecholaminergic polymorphic ventricular tachycardia (CVPT). Also called: Catecholamine-induced polymorphic ventricular tachycardia. Identifiers: Orphanet 3286, MedGen C5574922, MONDO:0017990.
Cardiomyopathy (CMYO). Also called: Cardiomyopathies. Identifiers: Orphanet 167848, MedGen C0878544, MONDO:0004994, HP:0001638. Inheritance: Various modes of inheritance.
Cardiovascular phenotype. Identifiers: MedGen CN230736.
Catecholaminergic polymorphic ventricular tachycardia 1. Also called: VENTRICULAR TACHYCARDIA, CATECHOLAMINERGIC POLYMORPHIC, 1, WITH OR WITHOUT ATRIAL DYSFUNCTION AND/OR DILATED CARDIOMYOPATHY; VENTRICULAR TACHYCARDIA, STRESS-INDUCED POLYMORPHIC 1; RYR2-Related Catecholaminergic Polymorphic Ventricular Tachycardia. Identifiers: Orphanet 3286, MedGen C1631597, MONDO:0011484, OMIM 604772.

Allele frequency attached by ClinVar (database versions not stated): gnomAD exomes below 0.00001; gnomAD 0.00001; TOPMed 0.00001.
gnomAD v4.1: 3 of 1,613,834 alleles (0.00019%); highest among the groups gnomAD compares: Non-Finnish European, 0.00025%; no homozygotes.

Submissions (4):

Labcorp Genetics (formerly Invitae), Labcorp
Classification: Likely benign for Catecholaminergic polymorphic ventricular tachycardia 1. Last evaluated: 2025-07-22. Review status: criteria provided, single submitter. Criteria: Invitae Variant Classification Sherloc (09022015). Collection method: clinical testing. Allele origin: germline.

All of Us Research Program, National Institutes of Health
Classification: Likely benign for Catecholaminergic polymorphic ventricular tachycardia. Last evaluated: 2023-07-10. Review status: criteria provided, single submitter. Criteria: ACMG Guidelines, 2015. Collection method: clinical testing. Allele origin: germline. Inheritance: Autosomal dominant inheritance. Observed: 1 variant allele, 1 heterozygote.
Comment: This study involves interpretation of variants in research participants for the purpose of population health screening. Participant phenotype was not available at the time of variant classification. Additional details can be found in publication PMID: 35346344, PMCID: PMC8962531

Ambry Genetics
Classification: Likely benign for Cardiovascular phenotype. Last evaluated: 2021-01-23. Review status: criteria provided, single submitter. Criteria: Ambry Variant Classification Scheme 2023. Collection method: clinical testing. Allele origin: germline.

Color Diagnostics, LLC DBA Color Health
Classification: Likely benign for Cardiomyopathy. Last evaluated: 2019-02-08. Review status: criteria provided, single submitter. Criteria: ACMG Guidelines, 2015. Collection method: clinical testing. Allele origin: germline.